The following is an entry in ClinVar:

ClinVar aggregate classification (germline): Likely pathogenic. Review status: criteria provided, single submitter (1 of 4 stars). 2 submissions from 2 submitters: Likely pathogenic (1). 1 of the submissions does not count toward it. Last evaluated 2020-03-12.

Conditions:
Intellectual developmental disorder with speech delay and axonal peripheral neuropathy. Identifiers: MedGen C5436813, MONDO:0030849, OMIM 619099.

Submissions (2):

Centre for Mendelian Genomics, University Medical Centre Ljubljana
Classification: Likely pathogenic. Last evaluated: 2020-03-12. Review status: criteria provided, single submitter. Criteria: ACMG Guidelines, 2015. Collection method: clinical testing. Allele origin: unknown. Affected: yes.
Comment: This variant was classified as: Likely pathogenic. The following ACMG criteria were applied in classifying this variant: PVS1,PM2. This variant was detected in homozygous state.

OMIM
Classification: Pathogenic for INTELLECTUAL DEVELOPMENTAL DISORDER WITH SPEECH DELAY AND AXONAL PERIPHERAL NEUROPATHY. Last evaluated: 2021-04-02. Review status: no assertion criteria provided. Collection method: literature only. Allele origin: germline. Not counted in ClinVar's aggregate classification.

Literature cited by the submitters: PubMed 33048237 (cited by OMIM).

NM_004713.6(NEMF):c.807-2A>C

Gene: NEMF (nuclear export mediator factor; minus strand). Cytogenetic location: 14q21.3.
Variant type: single nucleotide variant.
Coding change: c.807-2A>C on transcript NM_004713.6 (MANE Select); the canonical splice acceptor site of the intron before coding-DNA position 807, A replaced by C.
Molecular consequence: splice acceptor variant.
Genome position (GRCh38, 1-based): chr14:49,832,128, T>G on the plus strand (A>C on the coding strand, the complement: NEMF is on the minus strand). VCF-style: chr14-49832128-T-G. GRCh37 (hg19) VCF-style: chr14-50298846-T-G.
Other names: IVS9AS, A-C, -2; c.807-2A>C (NM_001301732.3).
Identifiers: ClinVar variation 931494 (VCV000931494.6), dbSNP rs1892669150, ClinGen allele CA389629381.